The following is an entry in ClinVar:

ClinVar aggregate classification (germline): Uncertain significance (1 of 4 stars; one submission).

Conditions:
SHH-related disorder. Also called: SHH-related condition; SHH-related disorders.

Submission:

PreventionGenetics, part of Exact Sciences
Classification: Uncertain significance for SHH-related condition. Last evaluated: 2026-04-22. Review status: criteria provided, single submitter. Criteria: ACMG Guidelines, 2015. Collection method: clinical testing. Allele origin: germline.
Comment: The SHH c.377G>A variant is predicted to result in the amino acid substitution p.Arg126Gln. To our knowledge, this variant has not been reported in the literature. This variant is reported in 0.0081% of alleles in individuals of Latino descent in gnomAD. At this time, the clinical significance of this variant is uncertain due to the absence of conclusive functional and genetic evidence.

NM_000193.4(SHH):c.*2730G>A

Gene: SHH (sonic hedgehog signaling molecule; minus strand). Cytogenetic location: 7q36.3.
Variant type: single nucleotide variant.
Coding change: c.*2730G>A on transcript NM_000193.4 (MANE Select); 2730 bases downstream of the stop codon, G replaced by A.
Molecular consequence: 3 prime UTR variant. On other transcripts: missense variant (1), non-coding transcript variant (2).
Genome position (GRCh38, 1-based): chr7:155,800,170, C>T on the plus strand (G>A on the coding strand, the complement: SHH is on the minus strand). VCF-style: chr7-155800170-C-T. GRCh37 (hg19) VCF-style: chr7-155592864-C-T.
Other names: c.377G>A, p.Arg126Gln (NM_001310462.2); short protein forms R126Q.
Identifiers: ClinVar variation 4980190 (VCV004980190.1).
Genomic context (GRCh38, chr7:155,800,170, plus strand): 5'-CATGCATACATTTTGCACAAACTCTTGGCTCCGTCAACCCTGAATGAGAAGTCGGCGCCT[C>T]GTCCTGGCGGGGCTGGGCTGCACCCTCTTGATGCCCTGTACCTAGTGTCTCTAAGCAGTG-3'